The following is an entry in ClinVar:

NM_005027.4(PIK3R2):c.1576G>A (p.Glu526Lys)

Gene: PIK3R2 (phosphoinositide-3-kinase regulatory subunit 2; plus strand). Cytogenetic location: 19p13.11.
Variant type: single nucleotide variant.
Coding change: c.1576G>A on transcript NM_005027.4 (MANE Select); coding-DNA position 1576, G replaced by A.
Protein change: p.Glu526Lys; replaces glutamic acid 526 with lysine.
Molecular consequence: missense variant. On other transcripts: non-coding transcript variant (2).
Genome position (GRCh38, 1-based): chr19:18,167,146, G>A. VCF-style: chr19-18167146-G-A. GRCh37 (hg19) VCF-style: chr19-18277956-G-A.
Other names: short protein forms E526K.
Identifiers: ClinVar variation 1907855 (VCV001907855.5), dbSNP rs1291125379, ClinGen allele CA404813373.

ClinVar aggregate classification (germline): Uncertain significance (1 of 4 stars; one submission).

Conditions:
Megalencephaly-polymicrogyria-postaxial polydactyly-hydrocephalus syndrome. Also called: MPPH Syndrome; MEG-PMG-MEGACC SYNDROME. Identifiers: Orphanet 83473, MedGen C1863924, MONDO:0019375.

Allele frequency attached by ClinVar (database versions not stated): gnomAD exomes below 0.00001; TOPMed below 0.00001; gnomAD 0.00001.
gnomAD v4.1: 9 of 1,592,168 alleles (0.00057%); highest among the groups gnomAD compares: South Asian, 0.0023%; no homozygotes.

Submission:

Labcorp Genetics (formerly Invitae), Labcorp
Classification: Uncertain significance for Megalencephaly-polymicrogyria-postaxial polydactyly-hydrocephalus syndrome. Last evaluated: 2025-09-24. Review status: criteria provided, single submitter. Criteria: Invitae Variant Classification Sherloc (09022015). Collection method: clinical testing. Allele origin: germline.
Comment: This sequence change replaces glutamic acid, which is acidic and polar, with lysine, which is basic and polar, at codon 526 of the PIK3R2 protein (p.Glu526Lys). This variant is present in population databases (no rsID available, gnomAD 0.004%). This variant has not been reported in the literature in individuals affected with PIK3R2-related conditions. ClinVar contains an entry for this variant (Variation ID: 1907855). Invitae Evidence Modeling of protein sequence and biophysical properties (such as structural, functional, and spatial information, amino acid conservation, physicochemical variation, residue mobility, and thermodynamic stability) indicates that this missense variant is not expected to disrupt PIK3R2 protein function with a negative predictive value of 80%. In summary, the available evidence is currently insufficient to determine the role of this variant in disease. Therefore, it has been classified as a Variant of Uncertain Significance.